The following is an entry in ClinVar:

ClinVar aggregate classification (germline): Uncertain significance. Review status: criteria provided, multiple submitters, no conflicts (2 of 4 stars). 2 submissions from 2 submitters: Uncertain significance (2). Last evaluated 2023-10-13.

Conditions:
Immunodeficiency, common variable, 4. Also called: ANTIBODY DEFICIENCY DUE TO BAFFR DEFECT. Identifiers: Orphanet 1572, Orphanet 696925, MedGen C3150739, MONDO:0013284, OMIM 613494.

gnomAD v4.1: 1 of 1,355,188 alleles (0.000074%); highest among the groups gnomAD compares: Admixed American, 0.0037%; no homozygotes.

Submissions (2):

Labcorp Genetics (formerly Invitae), Labcorp
Classification: Uncertain significance for Immunodeficiency, common variable, 4. Last evaluated: 2023-10-13. Review status: criteria provided, single submitter. Criteria: Invitae Variant Classification Sherloc (09022015). Collection method: clinical testing. Allele origin: germline.
Comment: This sequence change replaces glycine, which is neutral and non-polar, with alanine, which is neutral and non-polar, at codon 4 of the TNFRSF13C protein (p.Gly4Ala). This variant is not present in population databases (gnomAD no frequency). This variant has not been reported in the literature in individuals affected with TNFRSF13C-related conditions. ClinVar contains an entry for this variant (Variation ID: 2021981). An algorithm developed to predict the effect of missense changes on protein structure and function (PolyPhen-2) suggests that this variant is likely to be tolerated. In summary, the available evidence is currently insufficient to determine the role of this variant in disease. Therefore, it has been classified as a Variant of Uncertain Significance.

Breakthrough Genomics
Classification: Uncertain significance. Review status: criteria provided, single submitter. Criteria: ACMG Guidelines, 2015. Collection method: not provided. Allele origin: germline. Inheritance: Autosomal dominant inheritance. Affected: yes.

NM_052945.4(TNFRSF13C):c.11G>C (p.Gly4Ala)

Genes: TNFRSF13C (TNF receptor superfamily member 13C; minus strand), LOC130067574 (ATAC-STARR-seq lymphoblastoid silent region 13813; plus strand). Cytogenetic location: 22q13.2.
Variant type: single nucleotide variant.
Coding change: c.11G>C on transcript NM_052945.4 (MANE Select); coding-DNA position 11, G replaced by C.
Protein change: p.Gly4Ala; replaces glycine 4 with alanine.
Molecular consequence: missense variant.
Genome position (GRCh38, 1-based): chr22:41,926,763, C>G on the plus strand (G>C on the coding strand, the complement: TNFRSF13C is on the minus strand). VCF-style: chr22-41926763-C-G. GRCh37 (hg19) VCF-style: chr22-42322767-C-G.
Other names: short protein forms G4A.
Identifiers: ClinVar variation 2021981 (VCV002021981.5), dbSNP rs2077635455, ClinGen allele CA411763947.